The following is an entry in ClinVar:

NM_001267550.2(TTN):c.24635C>A (p.Ser8212Ter)

Gene: TTN (titin; minus strand). Cytogenetic location: 2q31.2.
Variant type: single nucleotide variant.
Coding change: c.24635C>A on transcript NM_001267550.2 (MANE Select); coding-DNA position 24635, C replaced by A.
Protein change: p.Ser8212Ter; replaces serine 8212 with a stop codon.
Molecular consequence: nonsense. On other transcripts: intron variant (3).
Genome position (GRCh38, 1-based): chr2:178,718,471, G>T on the plus strand (C>A on the coding strand, the complement: TTN is on the minus strand). VCF-style: chr2-178718471-G-T. GRCh37 (hg19) VCF-style: chr2-179583198-G-T.
Other names: c.23684C>A, p.Ser7895Ter (NM_001256850.1); c.20903C>A, p.Ser6968Ter (NM_133378.4); c.13282+19611C>A (NM_003319.4); c.13858+19611C>A (NM_133437.4); c.13657+19611C>A (NM_133432.3); short protein forms S6968*, S7895*, S8212*.
Identifiers: ClinVar variation 2437948 (VCV002437948.5), dbSNP rs2529260563, ClinGen allele CA349497868.
Genomic context (GRCh38, chr2:178,718,471, plus strand): 5'-TCAAGAATTTCCAGTATGGTAGATTTTTCTGTCATAGTAATACTGCATCTCTCAGATTGT[G>T]AAATAAGATACTCGTCCTTTATCCAGCTCACTGAGATTGGAGGTGTGCCAGTGTATGTGG-3'

ClinVar aggregate classification (germline): Conflicting classifications of pathogenicity. Review status: criteria provided, conflicting classifications (1 of 4 stars). 2 submissions from 2 submitters: Likely pathogenic (1); Uncertain significance (1). Last evaluated 2024-11-11.

Conditions:
Dilated cardiomyopathy 1G (CMD1G). Identifiers: Orphanet 154, MedGen C1858763, MONDO:0011400, OMIM 604145.
Autosomal recessive limb-girdle muscular dystrophy type 2J (LGMDR10). Also called: MUSCULAR DYSTROPHY, LIMB-GIRDLE, AUTOSOMAL RECESSIVE 10; Limb-girdle muscular dystrophy, type 2J. Identifiers: Orphanet 140922, MedGen C1837342, MONDO:0012127, OMIM 608807.

Submissions (2):

Labcorp Genetics (formerly Invitae), Labcorp
Classification: Likely pathogenic for Dilated cardiomyopathy 1G; Autosomal recessive limb-girdle muscular dystrophy type 2J. Last evaluated: 2024-11-11. Review status: criteria provided, single submitter. Criteria: Invitae Variant Classification Sherloc (09022015). Collection method: clinical testing. Allele origin: germline.
Comment: This sequence change creates a premature translational stop signal (p.Ser8212*) in the TTN gene. While this is not anticipated to result in nonsense mediated decay, it is expected to create a truncated TTN protein. This variant is not present in population databases (gnomAD no frequency). This variant has not been reported in the literature in individuals affected with TTN-related conditions. ClinVar contains an entry for this variant (Variation ID: 2437948). Algorithms developed to predict the effect of sequence changes on RNA splicing suggest that this variant may disrupt the consensus splice site. This variant is located in the I band of TTN (PMID: 25589632). Truncating variants in this region have been reported in individuals affected with autosomal recessive centronuclear myopathy (PMID: 23975875, internal data). Truncating variants in this region have also been identified in individuals affected with autosomal dominant dilated cardiomyopathy and/or cardio-related conditions (PMID: 27869827, 32964742, internal data). In summary, the currently available evidence indicates that the variant is pathogenic, but additional data are needed to prove that conclusively. Therefore, this variant has been classified as Likely Pathogenic.

Revvity Omics, Revvity
Classification: Uncertain significance. Last evaluated: 2021-10-05. Review status: criteria provided, single submitter. Criteria: ACMG Guidelines, 2015. Collection method: clinical testing. Allele origin: germline.

Literature cited by the submitters: PubMed 25589632 (cited by Labcorp Genetics (formerly Invitae), Labcorp); PubMed 23975875 (cited by Labcorp Genetics (formerly Invitae), Labcorp); PubMed 27869827 (cited by Labcorp Genetics (formerly Invitae), Labcorp); PubMed 32964742 (cited by Labcorp Genetics (formerly Invitae), Labcorp).